The following is an entry in ClinVar:

NM_001385012.1(NBEA):c.7779T>C (p.Leu2593=)

Gene: NBEA (neurobeachin; plus strand). Cytogenetic location: 13q13.3.
Variant type: single nucleotide variant.
Coding change: c.7779T>C on transcript NM_001385012.1 (MANE Select); coding-DNA position 7779, T replaced by C.
Protein change: p.Leu2593=; no amino-acid change (leucine 2593 retained).
Molecular consequence: synonymous variant.
Genome position (GRCh38, 1-based): chr13:35,649,663, T>C. VCF-style: chr13-35649663-T-C. GRCh37 (hg19) VCF-style: chr13-36223800-T-C.
Other names: c.1095T>C, p.Leu365= (NM_001204197.3); c.7770T>C, p.Leu2590= (NM_001379245.1); c.7716T>C, p.Leu2572= (NM_015678.5).
Identifiers: ClinVar variation 2570860 (VCV002570860.28), dbSNP rs186711132, ClinGen allele CA6947862.
Genomic context (GRCh38, chr13:35,649,663, plus strand): 5'-ACTATGTTATTCCTTTTGTCTTCCTCTGTTCTCTTCCCTTTCTATTCAACAGTGTTTCCT[T>C]CCACAGAGTCCGCTCATGTTTAAAGATCAGATGCAACAGGATGTGATAATGGTGCTGAAG-3'
Protein context (NP_001371941.1, residues 2583-2603): PRSSAMHLCF[Leu2593=]PQSPLMFKDQ

ClinVar aggregate classification (germline): Likely benign. Review status: criteria provided, multiple submitters, no conflicts (2 of 4 stars). 2 submissions from 2 submitters: Likely benign (2). Last evaluated 2024-07-05.

Allele frequency attached by ClinVar (database versions not stated): gnomAD exomes 0.00015; ExAC 0.00050; ESP Exome Variant Server 0.00114; gnomAD 0.00129; 1000 Genomes Project 30x 0.00156; TOPMed 0.00168; 1000 Genomes Project 0.00200.
gnomAD v4.1: 415 of 1,612,954 alleles (0.026%); highest among the groups gnomAD compares: African/African-American, 0.51%; 3 homozygotes.

Submissions (2):

Blueprint Genetics
Classification: Likely benign. Last evaluated: 2024-07-05. Review status: criteria provided, single submitter. Criteria: ACMG Guidelines, 2015. Collection method: clinical testing. Allele origin: germline.

CeGaT Center for Human Genetics Tuebingen
Classification: Likely benign. Last evaluated: 2023-05-01. Review status: criteria provided, single submitter. Criteria: CeGaT Center For Human Genetics Tuebingen Variant Classification Criteria Version 2. Collection method: clinical testing. Allele origin: germline. Affected: yes. Observed: 1 variant allele.
Comment: NBEA: BP4, BS1